The following is an entry in ClinVar:

NM_030653.4(DDX11):c.2334_2335dup (p.Met779fs)

Gene: DDX11 (DEAD/H-box helicase 11; plus strand). Cytogenetic location: 12p11.21.
Variant type: Duplication.
Coding change: c.2334_2335dup on transcript NM_030653.4 (MANE Select); coding-DNA positions 2334 to 2335, 2 bases duplicated (GA; older notation c.2334_2335dupGA).
Protein change: p.Met779fs; shifts the reading frame from methionine 779.
Molecular consequence: frameshift variant. On other transcripts: non-coding transcript variant (4).
Genome position (GRCh38, 1-based): chr12:31,102,489-31,102,490, GA duplicated; duplicating any 2 consecutive bases within chr12:31,102,488-31,102,490 gives the same sequence; the c. name uses the placement nearest the transcript's 3' end. VCF-style (leftmost placement, unchanged base first): chr12-31102487-A-AAG. GRCh37 (hg19) VCF-style: chr12-31255421-A-AAG.
Other names: c.2334_2335dup, p.Met779fs (NM_001257144.2, NM_001413692.1, NM_001413693.1 and 4 more transcripts); c.2256_2257dup, p.Met753fs (NM_001257145.2, NM_001413697.1, NM_001413698.1 and 1 more transcripts); c.2247_2248dup, p.Met750fs (NM_001413700.1); c.1806_1807dup, p.Met603fs (NM_001413702.1, NM_001413703.1); c.1473_1474dup, p.Met492fs (NM_001413704.1, NM_001413705.1); c.1368_1369dup, p.Met457fs (NM_001413706.1); c.2184_2185dup, p.Met729fs (NM_004399.3); short protein forms M457fs, M492fs, M603fs, M729fs, M750fs, M753fs, M779fs.
Identifiers: ClinVar variation 5019108 (VCV005019108.2).
Genomic context (GRCh38, chr12:31,102,487, plus strand): 5'-GCCTGTGGCCAGGAGAGAGGCCAGGTGACAGGGGCCCTGCTCCTCTCTGTGGTTGGAGGA[A>AAG]AGATGAGTGAAGGGATCAACTTCTCTGACAACCTAGGCCGGTAAGTAGTGGTTCTGCTCG-3'

ClinVar aggregate classification (germline): Likely pathogenic (1 of 4 stars; one submission).

Conditions:
Warsaw breakage syndrome (WABS). Also called: DDX11-Related Cohesinopathy. Identifiers: Orphanet 280558, MedGen C3150658, MONDO:0013252, OMIM 613398.

Submission:

Juno Genomics, Hangzhou Juno Genomics, Inc
Classification: Likely pathogenic for Warsaw breakage syndrome. Review status: criteria provided, single submitter. Criteria: ACMG Guidelines, 2015. Collection method: clinical testing. Allele origin: germline.
Comment: Absent from controls (or at extremely low frequency if recessive) in Genome Aggregation Database.;Null variant in a gene where loss of function (LOF) is a known mechanism of disease.